The following is an entry in ClinVar:

NM_001165963.4(SCN1A):c.480del (p.Phe161fs)

Gene: SCN1A (sodium voltage-gated channel alpha subunit 1; minus strand). Cytogenetic location: 2q24.3.
Variant type: Deletion.
Coding change: c.480del on transcript NM_001165963.4 (MANE Select); coding-DNA position 480, one base deleted (C; older notation c.480delC).
Protein change: p.Phe161fs; shifts the reading frame from phenylalanine 161.
Molecular consequence: frameshift variant. On other transcripts: 5 prime UTR variant (1), non-coding transcript variant (1).
Genome position (GRCh38, 1-based): chr2:166,054,760, G deleted on the plus strand (C on the coding strand, the reverse complement: SCN1A is on the minus strand); the first of 2 consecutive G bases (chr2:166,054,760-166,054,761); deleting either gives the same sequence. VCF-style (leftmost placement, unchanged base first): chr2-166054759-AG-A. GRCh37 (hg19) VCF-style: chr2-166911269-AG-A.
Other names: c.480del, p.Phe161fs (NM_001165964.3, NM_001202435.3, NM_001353948.2 and 10 more transcripts); c.-1946del (NM_001353961.2); short protein forms F161fs.
Identifiers: ClinVar variation 1075187 (VCV001075187.8), dbSNP rs2105902701, ClinGen allele CA2499215211.

ClinVar aggregate classification (germline): Pathogenic (1 of 4 stars; one submission).

Conditions:
Early-infantile DEE. Also called: Ohtahara syndrome; Early infantile epileptic encephalopathy with suppression bursts; Early infantile epileptic encephalopathy. Identifiers: Orphanet 1934, MedGen C0393706, MONDO:0800491.

Submission:

Labcorp Genetics (formerly Invitae), Labcorp
Classification: Pathogenic for Early-infantile DEE. Last evaluated: 2020-08-02. Review status: criteria provided, single submitter. Criteria: Invitae Variant Classification Sherloc (09022015). Collection method: clinical testing. Allele origin: germline.
Comment: For these reasons, this variant has been classified as Pathogenic. Loss-of-function variants in SCN1A are known to be pathogenic (PMID: 17347258, 18930999). This variant has not been reported in the literature in individuals with SCN1A-related conditions. This variant is not present in population databases (ExAC no frequency). This sequence change creates a premature translational stop signal (p.Phe161Serfs*11) in the SCN1A gene. It is expected to result in an absent or disrupted protein product.

Literature cited by the submitters: PubMed 17347258; PubMed 18930999.